The following is an entry in ClinVar:

NM_031407.7(HUWE1):c.3932C>T (p.Ser1311Phe)

Genes: HUWE1 (HECT, UBA and WWE domain containing E3 ubiquitin protein ligase 1; minus strand), LOC126863263 (BRD4-independent group 4 enhancer GRCh37_chrX:53619238-53620437; plus strand). Cytogenetic location: Xp11.22.
Variant type: single nucleotide variant.
Coding change: c.3932C>T on transcript NM_031407.7 (MANE Select); coding-DNA position 3932, C replaced by T.
Protein change: p.Ser1311Phe; replaces serine 1311 with phenylalanine.
Molecular consequence: missense variant.
Genome position (GRCh38, 1-based): chrX:53,592,438, G>A on the plus strand (C>T on the coding strand, the complement: HUWE1 is on the minus strand). VCF-style: chrX-53592438-G-A. GRCh37 (hg19) VCF-style: chrX-53619398-G-A.
Other names: c.3932C>T, p.Ser1311Phe (NM_001441058.1, NM_001441048.1, NM_001441049.1 and 6 more transcripts); c.3953C>T, p.Ser1318Phe (NM_001441050.1, NM_001441055.1); short protein forms S1311F, S1318F.
Identifiers: ClinVar variation 4537559 (VCV004537559.1).

ClinVar aggregate classification (germline): Uncertain significance (1 of 4 stars; one submission).

Submission:

GeneDx
Classification: Uncertain significance. Last evaluated: 2025-06-09. Review status: criteria provided, single submitter. Criteria: GeneDx Variant Classification Process June 2021. Collection method: clinical testing. Allele origin: germline. Affected: yes.
Comment: Not observed at significant frequency in large population cohorts (gnomAD); In silico analysis supports that this missense variant has a deleterious effect on protein structure/function; Has not been previously published as pathogenic or benign to our knowledge